The following is an entry in ClinVar:

ClinVar aggregate classification (germline): Uncertain significance (1 of 4 stars; one submission).

Conditions:
Hereditary cancer-predisposing syndrome. Also called: Tumor predisposition; Hereditary neoplastic syndrome; Hereditary Cancer Syndrome; Neoplastic Syndromes, Hereditary. Identifiers: Orphanet 140162, MedGen C0027672, MeSH D009386, MONDO:0015356.

Submission:

Ambry Genetics
Classification: Uncertain significance for Hereditary cancer-predisposing syndrome. Last evaluated: 2026-03-06. Review status: criteria provided, single submitter. Criteria: Ambry Variant Classification Scheme 2023. Collection method: clinical testing. Allele origin: germline.
Comment: The p.S2859A variant (also known as c.8575T>G), located in coding exon 57 of the ATM gene, results from a T to G substitution at nucleotide position 8575. The serine at codon 2859 is replaced by alanine, an amino acid with similar properties. This amino acid position is conserved. In addition, the in silico prediction for this alteration is inconclusive. Based on the available evidence, the clinical significance of this variant remains unclear.

NM_000051.4(ATM):c.8575T>G (p.Ser2859Ala)

Genes: ATM (ATM serine/threonine kinase; plus strand), C11orf65 (chromosome 11 open reading frame 65; minus strand). Cytogenetic location: 11q22.3.
Variant type: single nucleotide variant.
Coding change: c.8575T>G on transcript NM_000051.4 (MANE Select); coding-DNA position 8575, T replaced by G.
Protein change: p.Ser2859Ala; replaces serine 2859 with alanine.
Molecular consequence: missense variant. On other transcripts: intron variant (2).
Genome position (GRCh38, 1-based): chr11:108,345,899, T>G. VCF-style: chr11-108345899-T-G. GRCh37 (hg19) VCF-style: chr11-108216626-T-G.
Other names: c.8575T>G, p.Ser2859Ala (NM_001351834.2); c.641-36828A>C (NM_001330368.2); c.695-10607A>C (NM_001351110.2); short protein forms S2859A.
Identifiers: ClinVar variation 4827597 (VCV004827597.1).